The following is an entry in ClinVar:

NM_016239.4(MYO15A):c.8831del (p.Pro2944fs)

Gene: MYO15A (myosin XVA; plus strand). Cytogenetic location: 17p11.2.
Variant type: Deletion.
Coding change: c.8831del on transcript NM_016239.4 (MANE Select); coding-DNA position 8831, one base deleted (C; older notation c.8831delC).
Protein change: p.Pro2944fs; shifts the reading frame from proline 2944.
Molecular consequence: frameshift variant.
Genome position (GRCh38, 1-based): chr17:18,157,764, C deleted; the last of 3 consecutive C bases (chr17:18,157,762-18,157,764); deleting any one gives the same sequence. VCF-style (leftmost placement, unchanged base first): chr17-18157761-TC-T. GRCh37 (hg19) VCF-style: chr17-18061075-TC-T.
Other names: c.8829delC (NM_016239.4); short protein forms P2944fs.
Identifiers: ClinVar variation 2445657 (VCV002445657.1), dbSNP rs2545305297, ClinGen allele CA2580092676.
Genomic context (GRCh38, chr17:18,157,761, plus strand): 5'-AGACCTTTTACCCACCCCTAGGCTGGAGGTTCGGGACCATCCACGGGCGCGTGGGCCGCT[TC>T]CCTTCGGAGCTGGTGCAGCCCGCTGCTGCCCCCGACTTCCTGCAGCTGCCAACGGAGCCA-3'

ClinVar aggregate classification (germline): Pathogenic (1 of 4 stars; one submission).

Conditions:
Autosomal recessive nonsyndromic hearing loss 3. Also called: NEUROSENSORY NONSYNDROMIC RECESSIVE DEAFNESS 3. Identifiers: Orphanet 90636, MedGen C1838263, MONDO:0010860, OMIM 600316.

Submission:

King Laboratory, University of Washington
Classification: Pathogenic for Autosomal recessive nonsyndromic hearing loss 3. Last evaluated: 2023-02-28. Review status: criteria provided, single submitter. Criteria: Li et al. (Genet Med. 2022). Collection method: research. Allele origin: unknown. Affected: yes.
Comment: This variant occurred in compound heterozygosity with a MYO15A nonsense variant in two siblings with bilateral sensorineural hearing loss of onset <18 years, in a study of pediatric hearing loss conducted by the King Laboratory (Carlson RJ et al. JAMA-OtoHNS 2023). These siblings’ family has no other history of hearing loss. This variant is a single base pair deletion that leads to a frameshift which is predicted to cause the addition of 89 incorrect amino acids and lead to an early stop at position 3033 of the 3530 amino acid protein. As of January 2023, this variant has not been reported to ClinVar and is not found on gnomAD. Based on the prediction that this variant leads to a truncated protein, compound heterozygosity with a loss-of-function variant, co-segregation with the phenotype in the family, and goodness of fit of genotype to phenotype, we conclude that this variant is pathogenic.

Literature cited by the submitters: PubMed 36633841.